The following is an entry in ClinVar:

ClinVar aggregate classification (germline): Uncertain significance (1 of 4 stars; one submission).

Conditions:
Hereditary cancer-predisposing syndrome. Also called: Neoplastic Syndromes, Hereditary; Tumor predisposition; Hereditary Cancer Syndrome; Hereditary neoplastic syndrome. Identifiers: Orphanet 140162, MedGen C0027672, MeSH D009386, MONDO:0015356.
Cardiovascular phenotype. Identifiers: MedGen CN230736.

Allele frequency attached by ClinVar (database versions not stated): gnomAD exomes below 0.00001.
gnomAD v4.1: 2 of 1,614,134 alleles (0.00012%); highest among the groups gnomAD compares: Non-Finnish European, 0.00017%; no homozygotes.

Submission:

Ambry Genetics
Classification: Uncertain significance for Cardiovascular phenotype; Hereditary cancer-predisposing syndrome. Last evaluated: 2024-07-24. Review status: criteria provided, single submitter. Criteria: Ambry Variant Classification Scheme 2023. Collection method: clinical testing. Allele origin: germline.
Comment: The p.L1332P variant (also known as c.3995T>C), located in coding exon 30 of the NF1 gene, results from a T to C substitution at nucleotide position 3995. The leucine at codon 1332 is replaced by proline, an amino acid with similar properties. This amino acid position is highly conserved in available vertebrate species. In addition, this alteration is predicted to be deleterious by in silico analysis. Since supporting evidence is limited at this time, the clinical significance of this alteration remains unclear.

NM_001042492.3(NF1):c.3995T>C (p.Leu1332Pro)

Gene: NF1 (neurofibromin 1; plus strand). Cytogenetic location: 17q11.2.
Variant type: single nucleotide variant.
Coding change: c.3995T>C on transcript NM_001042492.3 (MANE Select); coding-DNA position 3995, T replaced by C.
Protein change: p.Leu1332Pro; replaces leucine 1332 with proline.
Molecular consequence: missense variant.
Genome position (GRCh38, 1-based): chr17:31,249,004, T>C. VCF-style: chr17-31249004-T-C. GRCh37 (hg19) VCF-style: chr17-29576022-T-C.
Other names: c.3995T>C, p.Leu1332Pro (NM_000267.4); short protein forms L1332P.
Identifiers: ClinVar variation 1736795 (VCV001736795.3), dbSNP rs2151451335, ClinGen allele CA398994851.
Genomic context (GRCh38, chr17:31,249,004, plus strand): 5'-TAAACAAAAGTGTTAGGATTTTATTTTTATTTTTTTGTAGGTTAGAACCATCAGAGAGCC[T>C]TGAGGAAAACCAGCGGAACCTCCTTCAGATGACTGAAAAGTTCTTCCATGCCATCATCAG-3'
Protein context (NP_001035957.1, residues 1322-1342): DPTRLEPSES[Leu1332Pro]EENQRNLLQM